The following is an entry in ClinVar:

NM_001277115.2(DNAH11):c.4670G>A (p.Arg1557Gln)

Gene: DNAH11 (dynein axonemal heavy chain 11; plus strand). Cytogenetic location: 7p15.3.
Variant type: single nucleotide variant.
Coding change: c.4670G>A on transcript NM_001277115.2 (MANE Select); coding-DNA position 4670, G replaced by A.
Protein change: p.Arg1557Gln; replaces arginine 1557 with glutamine.
Molecular consequence: missense variant.
Genome position (GRCh38, 1-based): chr7:21,636,040, G>A. VCF-style: chr7-21636040-G-A. GRCh37 (hg19) VCF-style: chr7-21675658-G-A.
Other names: short protein forms R1557Q.
Identifiers: ClinVar variation 663746 (VCV000663746.8), dbSNP rs1166407911, ClinGen allele CA366933549.

ClinVar aggregate classification (germline): Uncertain significance (1 of 4 stars; one submission).

Conditions:
Primary ciliary dyskinesia. Also called: Ciliary dyskinesia. Identifiers: Orphanet 244, MedGen C0008780, MONDO:0016575, HP:0012265.

Allele frequency attached by ClinVar (database versions not stated): gnomAD 0.00001 and 0.00002; TOPMed 0.00002.
gnomAD v4.1: 28 of 1,613,362 alleles (0.0017%); highest among the groups gnomAD compares: East Asian, 0.022%; no homozygotes.

Submission:

Labcorp Genetics (formerly Invitae), Labcorp
Classification: Uncertain significance for Primary ciliary dyskinesia. Last evaluated: 2021-08-30. Review status: criteria provided, single submitter. Criteria: Invitae Variant Classification Sherloc (09022015). Collection method: clinical testing. Allele origin: germline.
Comment: This sequence change replaces arginine with glutamine at codon 1557 of the DNAH11 protein (p.Arg1557Gln). The arginine residue is highly conserved and there is a small physicochemical difference between arginine and glutamine. This variant is not present in population databases (ExAC no frequency). This variant has not been reported in the literature in individuals affected with DNAH11-related conditions. Algorithms developed to predict the effect of missense changes on protein structure and function output the following: SIFT: "Tolerated"; PolyPhen-2: "Benign"; Align-GVGD: "Class C0". The glutamine amino acid residue is found in multiple mammalian species, which suggests that this missense change does not adversely affect protein function. In summary, the available evidence is currently insufficient to determine the role of this variant in disease. Therefore, it has been classified as a Variant of Uncertain Significance.